The following is an entry in ClinVar:

ClinVar aggregate classification (germline): Uncertain significance. Review status: criteria provided, multiple submitters, no conflicts (2 of 4 stars). 2 submissions from 2 submitters: Uncertain significance (2). Last evaluated 2024-12-16.

Allele frequency attached by ClinVar (database versions not stated): gnomAD 0.00001; gnomAD exomes 0.00001; 1000 Genomes Project 30x 0.00016; 1000 Genomes Project 0.00020.
gnomAD v4.1: 8 of 1,612,028 alleles (0.0005%); highest among the groups gnomAD compares: East Asian, 0.0022%; no homozygotes.

Submissions (2):

Labcorp Genetics (formerly Invitae), Labcorp
Classification: Uncertain significance. Last evaluated: 2024-12-16. Review status: criteria provided, single submitter. Criteria: Invitae Variant Classification Sherloc (09022015). Collection method: clinical testing. Allele origin: germline.
Comment: This sequence change replaces glutamine with proline at codon 1177 of the CEP250 protein (p.Gln1177Pro). The glutamine residue is moderately conserved and there is a moderate physicochemical difference between glutamine and proline. This variant is present in population databases (rs554606600, gnomAD 0.006%). This variant has not been reported in the literature in individuals affected with CEP250-related conditions. ClinVar contains an entry for this variant (Variation ID: 1383512). An algorithm developed to predict the effect of missense changes on protein structure and function (PolyPhen-2) suggests that this variant is likely to be disruptive. In summary, the available evidence is currently insufficient to determine the role of this variant in disease. Therefore, it has been classified as a Variant of Uncertain Significance.

Ambry Genetics
Classification: Uncertain significance. Last evaluated: 2022-04-13. Review status: criteria provided, single submitter. Criteria: Ambry Variant Classification Scheme 2023. Collection method: clinical testing. Allele origin: germline.

NM_007186.6(CEP250):c.3530A>C (p.Gln1177Pro)

Gene: CEP250 (centrosomal protein 250; plus strand). Cytogenetic location: 20q11.22.
Variant type: single nucleotide variant.
Coding change: c.3530A>C on transcript NM_007186.6 (MANE Select); coding-DNA position 3530, A replaced by C.
Protein change: p.Gln1177Pro; replaces glutamine 1177 with proline.
Molecular consequence: missense variant.
Genome position (GRCh38, 1-based): chr20:35,497,942, A>C. VCF-style: chr20-35497942-A-C. GRCh37 (hg19) VCF-style: chr20-34085771-A-C.
Other names: c.3530A>C (NM_007186.3); c.1634A>C, p.Gln545Pro (NM_001318219.1); short protein forms Q1177P, Q545P.
Identifiers: ClinVar variation 1383512 (VCV001383512.6), dbSNP rs554606600, ClinGen allele CA9833493.
Genomic context (GRCh38, chr20:35,497,942, plus strand): 5'-GCAGCACAGAGAGCCAGCTAGAAGCGCTGGCCGCAGAGCAGCAGCCCGGGAACCAGGCCC[A>C]GGCCCAGGCCCAGCTGGCCAGCCTCTACTCTGCCCTGCAGCAGGCCCTGGGGTCTGTTTG-3'
Protein context (NP_009117.2, residues 1167-1187): AAEQQPGNQA[Gln1177Pro]AQAQLASLYS